The following is an entry in ClinVar:

NM_015378.4(VPS13D):c.1863C>G (p.His621Gln)

Gene: VPS13D (vacuolar protein sorting 13 homolog D; plus strand). Cytogenetic location: 1p36.22.
Variant type: single nucleotide variant.
Coding change: c.1863C>G on transcript NM_015378.4 (MANE Select); coding-DNA position 1863, C replaced by G.
Protein change: p.His621Gln; replaces histidine 621 with glutamine.
Molecular consequence: missense variant.
Genome position (GRCh38, 1-based): chr1:12,268,767, C>G. VCF-style: chr1-12268767-C-G. GRCh37 (hg19) VCF-style: chr1-12328824-C-G.
Other names: c.1863C>G, p.His621Gln (NM_018156.4); c.1863C>G (NM_015378.2); short protein forms H621Q.
Identifiers: ClinVar variation 1923062 (VCV001923062.3), dbSNP rs368522628, ClinGen allele CA601666.

ClinVar aggregate classification (germline): Uncertain significance. Review status: criteria provided, multiple submitters, no conflicts (2 of 4 stars). 2 submissions from 2 submitters: Uncertain significance (2). Last evaluated 2024-08-01.

Conditions:
Inborn genetic diseases. Identifiers: MedGen C0950123, MeSH D030342.

Allele frequency attached by ClinVar (database versions not stated): ESP Exome Variant Server 0.00008; gnomAD exomes below 0.00001; ExAC 0.00002; TOPMed 0.00003.
gnomAD v4.1: 7 of 1,614,120 alleles (0.00043%); highest among the groups gnomAD compares: African/African-American, 0.0093%; no homozygotes.

Submissions (2):

Ambry Genetics
Classification: Uncertain significance for Inborn genetic diseases. Last evaluated: 2024-08-01. Review status: criteria provided, single submitter. Criteria: Ambry Variant Classification Scheme 2023. Collection method: clinical testing. Allele origin: germline.

Labcorp Genetics (formerly Invitae), Labcorp
Classification: Uncertain significance. Last evaluated: 2022-08-11. Review status: criteria provided, single submitter. Criteria: Invitae Variant Classification Sherloc (09022015). Collection method: clinical testing. Allele origin: germline.
Comment: This sequence change replaces histidine, which is basic and polar, with glutamine, which is neutral and polar, at codon 621 of the VPS13D protein (p.His621Gln). This variant is present in population databases (rs368522628, gnomAD 0.01%). This variant has not been reported in the literature in individuals affected with VPS13D-related conditions. Algorithms developed to predict the effect of missense changes on protein structure and function output the following: SIFT: "Not Available"; PolyPhen-2: "Benign"; Align-GVGD: "Not Available". The glutamine amino acid residue is found in multiple mammalian species, which suggests that this missense change does not adversely affect protein function. In summary, the available evidence is currently insufficient to determine the role of this variant in disease. Therefore, it has been classified as a Variant of Uncertain Significance.